The following is an entry in ClinVar:

NM_133379.5(TTN):c.15487C>T (p.Arg5163Cys)

Gene: TTN (titin; minus strand). Cytogenetic location: 2q31.2.
Variant type: single nucleotide variant.
Coding change: c.15487C>T on transcript NM_133379.5; coding-DNA position 15487, C replaced by T.
Protein change: p.Arg5163Cys; replaces arginine 5163 with cysteine.
Molecular consequence: missense variant. On other transcripts: intron variant (6).
Genome position (GRCh38, 1-based): chr2:178,746,913, G>A on the plus strand (C>T on the coding strand, the complement: TTN is on the minus strand). VCF-style: chr2-178746913-G-A. GRCh37 (hg19) VCF-style: chr2-179611640-G-A.
Other names: p.R5163C:CGT>TGT; c.10361-4992C>T (NM_001256850.1); c.10223-4992C>T (NM_003319.4); c.10799-4992C>T (NM_133437.4); c.10598-4992C>T (NM_133432.3); c.10360+6211C>T (NM_133378.4); c.11312-4992C>T (NM_001267550.2); short protein forms R5163C.
Identifiers: ClinVar variation 179281 (VCV000179281.6), dbSNP rs727504760, ClinGen allele CA184115.

ClinVar aggregate classification (germline): Uncertain significance. Review status: criteria provided, multiple submitters, no conflicts (2 of 4 stars). 2 submissions from 2 submitters: Uncertain significance (2). Last evaluated 2015-03-30.

Allele frequency attached by ClinVar (database versions not stated): gnomAD exomes 0.00001 and 0.00002.
gnomAD v4.1: 25 of 1,613,352 alleles (0.0015%); highest among the groups gnomAD compares: Admixed American, 0.005%; no homozygotes.

Submissions (2):

GeneDx
Classification: Uncertain significance. Last evaluated: 2015-03-30. Review status: criteria provided, single submitter. Criteria: GeneDx Variant Classification (06012015). Collection method: clinical testing. Allele origin: germline. Affected: yes.
Comment: Missense variants in the TTN gene are considered 'unclassified' if they are not previously reported in the literature and do not have >1% frequency in the population to be considered a polymorphism. Research indicates that truncating mutations in the TTN gene are expected to account for approximately 25% of familial and 18% of sporadic idiopathic DCM; however, truncating variants in the TTN gene have been reported in approximately 3% of reported control alleles. There has been little investigation into non-truncating variants. (Herman D et al. Truncations of titin causing dilated cardiomyopathy. N Eng J Med 366:619-628, 2012) The variant is found in DCM-CRDM panel(s).

Laboratory for Molecular Medicine, Mass General Brigham Personalized Medicine
Classification: Uncertain significance. Last evaluated: 2013-09-19. Review status: criteria provided, single submitter. Criteria: LMM Criteria. Collection method: clinical testing. Allele origin: germline. Observed: 1 variant allele.
Comment: The Arg5163Cys variant in TTN has not been reported in individuals with cardiomy opathy or in large population studies. Computational analyses are limited or una vailable for this variant. Additional information is needed to fully assess the clinical significance of the Arg5163Cys variant.